The following is an entry in ClinVar:

NM_014239.4(EIF2B2):c.930C>T (p.Cys310=)

Gene: EIF2B2 (eukaryotic translation initiation factor 2B subunit beta; plus strand). Cytogenetic location: 14q24.3.
Variant type: single nucleotide variant.
Coding change: c.930C>T on transcript NM_014239.4 (MANE Select); coding-DNA position 930, C replaced by T.
Protein change: p.Cys310=; no amino-acid change (cysteine 310 retained).
Molecular consequence: synonymous variant.
Genome position (GRCh38, 1-based): chr14:75,009,062, C>T. VCF-style: chr14-75009062-C-T. GRCh37 (hg19) VCF-style: chr14-75475765-C-T.
Other names: c.930C>T (NM_014239.3).
Identifiers: ClinVar variation 2868236 (VCV002868236.4), dbSNP rs767183422, ClinGen allele CA263656868.

ClinVar aggregate classification (germline): Likely benign. Review status: criteria provided, multiple submitters, no conflicts (2 of 4 stars). 2 submissions from 2 submitters: Likely benign (2). Last evaluated 2025-06-04.

Conditions:
EIF2B2-related disorder. Also called: EIF2B2-related condition.

Allele frequency attached by ClinVar (database versions not stated): gnomAD exomes below 0.00001; TOPMed below 0.00001; gnomAD 0.00002.
gnomAD v4.1: 9 of 1,613,964 alleles (0.00056%); highest among the groups gnomAD compares: Non-Finnish European, 0.00076%; no homozygotes.

Submissions (2):

PreventionGenetics, part of Exact Sciences
Classification: Likely benign for EIF2B2-related condition. Last evaluated: 2025-06-04. Review status: criteria provided, single submitter. Criteria: ACMG Guidelines, 2015. Collection method: clinical testing. Allele origin: germline.
Comment: This variant is classified as likely benign based on ACMG/AMP sequence variant interpretation guidelines (Richards et al. 2015 PMID: 25741868, with internal and published modifications).

Labcorp Genetics (formerly Invitae), Labcorp
Classification: Likely benign. Last evaluated: 2023-12-01. Review status: criteria provided, single submitter. Criteria: Invitae Variant Classification Sherloc (09022015). Collection method: clinical testing. Allele origin: germline.